The following is an entry in ClinVar:

ClinVar aggregate classification (germline): Uncertain significance. Review status: criteria provided, multiple submitters, no conflicts (2 of 4 stars). 3 submissions from 3 submitters: Uncertain significance (3). Last evaluated 2025-10-01.

Conditions:
Familial adenomatous polyposis 1 (FAP1). Also called: POLYPOSIS, ADENOMATOUS INTESTINAL; FAMILIAL ADENOMATOUS POLYPOSIS 1, ATTENUATED. Identifiers: MedGen C2713442, MONDO:0021056, OMIM 175100. Disease mechanism: loss of function.
Hereditary cancer-predisposing syndrome. Also called: Tumor predisposition; Neoplastic Syndromes, Hereditary; Hereditary Cancer Syndrome; Hereditary neoplastic syndrome. Identifiers: Orphanet 140162, MedGen C0027672, MeSH D009386, MONDO:0015356.

gnomAD v4.1: 1 of 1,614,082 alleles (0.000062%); no homozygotes.

Submissions (3):

Labcorp Genetics (formerly Invitae), Labcorp
Classification: Uncertain significance for Familial adenomatous polyposis 1. Last evaluated: 2025-10-01. Review status: criteria provided, single submitter. Criteria: Invitae Variant Classification Sherloc (09022015). Collection method: clinical testing. Allele origin: germline.
Comment: This sequence change replaces glycine, which is neutral and non-polar, with serine, which is neutral and polar, at codon 1694 of the APC protein (p.Gly1694Ser). This variant is not present in population databases (gnomAD no frequency). This variant has not been reported in the literature in individuals affected with APC-related conditions. ClinVar contains an entry for this variant (Variation ID: 801034). Invitae Evidence Modeling of protein sequence and biophysical properties (such as structural, functional, and spatial information, amino acid conservation, physicochemical variation, residue mobility, and thermodynamic stability) indicates that this missense variant is not expected to disrupt APC protein function with a negative predictive value of 95%. In summary, the available evidence is currently insufficient to determine the role of this variant in disease. Therefore, it has been classified as a Variant of Uncertain Significance.

Ambry Genetics
Classification: Uncertain significance for Hereditary cancer-predisposing syndrome. Last evaluated: 2024-04-11. Review status: criteria provided, single submitter. Criteria: Ambry Variant Classification Scheme 2023. Collection method: clinical testing. Allele origin: germline.
Comment: The p.G1694S variant (also known as c.5080G>A), located in coding exon 15 of the APC gene, results from a G to A substitution at nucleotide position 5080. The glycine at codon 1694 is replaced by serine, an amino acid with similar properties. This amino acid position is well conserved in available vertebrate species. In addition, in silico predictors for this gene do not accurately predict pathogenicity. Based on the available evidence, the clinical significance of this variant remains unclear.

Quest Diagnostics Nichols Institute San Juan Capistrano
Classification: Uncertain significance. Last evaluated: 2019-08-02. Review status: criteria provided, single submitter. Criteria: Quest Diagnostics criteria. Collection method: clinical testing. Allele origin: germline.

NM_000038.6(APC):c.5080G>A (p.Gly1694Ser)

Gene: APC (APC regulator of Wnt signaling pathway; plus strand). Cytogenetic location: 5q22.2.
Variant type: single nucleotide variant.
Coding change: c.5080G>A on transcript NM_000038.6 (MANE Select); coding-DNA position 5080, G replaced by A.
Protein change: p.Gly1694Ser; replaces glycine 1694 with serine.
Molecular consequence: missense variant.
Genome position (GRCh38, 1-based): chr5:112,840,674, G>A. VCF-style: chr5-112840674-G-A. GRCh37 (hg19) VCF-style: chr5-112176371-G-A.
Other names: c.5080G>A, p.Gly1694Ser (NM_001127510.3, NM_001354895.2); c.5026G>A, p.Gly1676Ser (NM_001127511.3); c.5134G>A, p.Gly1712Ser (NM_001354896.2); c.5110G>A, p.Gly1704Ser (NM_001354897.2); c.5005G>A, p.Gly1669Ser (NM_001354898.2); c.4996G>A, p.Gly1666Ser (NM_001354899.2); c.4957G>A, p.Gly1653Ser (NM_001354900.2); c.4903G>A, p.Gly1635Ser (NM_001354901.2); and 5 more; short protein forms G1635S, G1694S, G1411S, G1534S, G1568S, G1603S, G1669S, G1704S.
Identifiers: ClinVar variation 801034 (VCV000801034.11), dbSNP rs1580656018, ClinGen allele CA16032437.